The following is an entry in ClinVar:

ClinVar aggregate classification (germline): Uncertain significance (1 of 4 stars; one submission).

Allele frequency attached by ClinVar (database versions not stated): TOPMed below 0.00001.

Submission:

GeneDx
Classification: Uncertain significance. Last evaluated: 2019-09-28. Review status: criteria provided, single submitter. Criteria: GeneDx Variant Classification Process June 2021. Collection method: clinical testing. Allele origin: germline. Affected: yes.
Comment: Not observed in large population cohorts (Lek et al., 2016); In silico analysis, which includes splice predictors and evolutionary conservation, supports that this variant does not alter protein structure/function; Has not been previously published as pathogenic or benign to our knowledge

NM_001378969.1(KCND3):c.477C>A (p.Ser159=)

Gene: KCND3 (potassium voltage-gated channel subfamily D member 3; minus strand). Cytogenetic location: 1p13.2.
Variant type: single nucleotide variant.
Coding change: c.477C>A on transcript NM_001378969.1 (MANE Select); coding-DNA position 477, C replaced by A.
Protein change: p.Ser159=; no amino-acid change (serine 159 retained).
Molecular consequence: synonymous variant.
Genome position (GRCh38, 1-based): chr1:111,982,250, G>T on the plus strand (C>A on the coding strand, the complement: KCND3 is on the minus strand). VCF-style: chr1-111982250-G-T. GRCh37 (hg19) VCF-style: chr1-112524872-G-T.
Other names: c.477C>A, p.Ser159= (NM_001378970.1, NM_004980.5, NM_172198.3).
Identifiers: ClinVar variation 1315795 (VCV001315795.2), dbSNP rs1674992426, ClinGen allele CA419708519.
Genomic context (GRCh38, chr1:111,982,250, plus strand): 5'-GCTGGTGTGGGGGTTCTCGAAGGCCCGCCACATGGTCTGGCGGAAGCTGAGCGAGGGCAT[G>T]GACTCCTGGTTGTTCTCCGAGTCGTTGTCGTCCATGAGCCGCTCGGCGTTCTCCCTCTTG-3'
Protein context (NP_001365898.1, residues 149-169): DDNDSENNQE[Ser159=]MPSLSFRQTM